The following is an entry in ClinVar:

ClinVar aggregate classification (germline): Uncertain significance (1 of 4 stars; one submission).

Conditions:
Inborn genetic diseases. Identifiers: MedGen C0950123, MeSH D030342.

Allele frequency attached by ClinVar (database versions not stated): TOPMed below 0.00001; gnomAD exomes 0.00001; ExAC 0.00002.

Submission:

Ambry Genetics
Classification: Uncertain significance for Inborn genetic diseases. Last evaluated: 2021-07-15. Review status: criteria provided, single submitter. Criteria: Ambry Variant Classification Scheme 2023. Collection method: clinical testing. Allele origin: germline.
Comment: The p.M323V variant (also known as c.967A>G), located in coding exon 5 of the TARDBP gene, results from an A to G substitution at nucleotide position 967. The methionine at codon 323 is replaced by valine, an amino acid with highly similar properties. This amino acid position is conserved. In addition, the in silico prediction for this alteration is inconclusive. Since supporting evidence is limited at this time, the clinical significance of this alteration remains unclear.

NM_007375.4(TARDBP):c.967A>G (p.Met323Val)

Gene: TARDBP (TAR DNA binding protein; plus strand). Cytogenetic location: 1p36.22.
Variant type: single nucleotide variant.
Coding change: c.967A>G on transcript NM_007375.4 (MANE Select); coding-DNA position 967, A replaced by G.
Protein change: p.Met323Val; replaces methionine 323 with valine.
Molecular consequence: missense variant.
Genome position (GRCh38, 1-based): chr1:11,022,376, A>G. VCF-style: chr1-11022376-A-G. GRCh37 (hg19) VCF-style: chr1-11082433-A-G.
Other names: short protein forms M323V.
Identifiers: ClinVar variation 1767755 (VCV001767755.2), dbSNP rs750230325, ClinGen allele CA586472.